The following is an entry in ClinVar:

NM_005475.3(SH2B3):c.935G>A (p.Ser312Asn)

Gene: SH2B3 (SH2B adaptor protein 3; plus strand). Cytogenetic location: 12q24.12.
Variant type: single nucleotide variant.
Coding change: c.935G>A on transcript NM_005475.3 (MANE Select); coding-DNA position 935, G replaced by A.
Protein change: p.Ser312Asn; replaces serine 312 with asparagine.
Molecular consequence: missense variant.
Genome position (GRCh38, 1-based): chr12:111,447,133, G>A. VCF-style: chr12-111447133-G-A. GRCh37 (hg19) VCF-style: chr12-111884937-G-A.
Other names: c.329G>A, p.Ser110Asn (NM_001291424.1); short protein forms S312N, S110N.
Identifiers: ClinVar variation 3953474 (VCV003953474.1).

ClinVar aggregate classification (germline): Uncertain significance (1 of 4 stars; one submission).

Conditions:
Inborn genetic diseases. Identifiers: MedGen C0950123, MeSH D030342.

Submission:

Ambry Genetics
Classification: Uncertain significance for Inborn genetic diseases. Last evaluated: 2025-04-25. Review status: criteria provided, single submitter. Criteria: Ambry Variant Classification Scheme 2023. Collection method: clinical testing. Allele origin: germline.
Comment: The p.S312N variant (also known as c.935G>A), located in coding exon 4 of the SH2B3 gene, results from a G to A substitution at nucleotide position 935. The serine at codon 312 is replaced by asparagine, an amino acid with highly similar properties. This amino acid position is conserved. In addition, this alteration is predicted to be tolerated by in silico analysis. Based on the available evidence, the clinical significance of this variant remains unclear.